The following is an entry in ClinVar:

NM_144670.6(A2ML1):c.1476T>C (p.Tyr492=)

Gene: A2ML1 (alpha-2-macroglobulin like 1; plus strand). Cytogenetic location: 12p13.31.
Variant type: single nucleotide variant.
Coding change: c.1476T>C on transcript NM_144670.6 (MANE Select); coding-DNA position 1476, T replaced by C.
Protein change: p.Tyr492=; no amino-acid change (tyrosine 492 retained).
Molecular consequence: synonymous variant.
Genome position (GRCh38, 1-based): chr12:8,843,361, T>C. VCF-style: chr12-8843361-T-C. GRCh37 (hg19) VCF-style: chr12-8995957-T-C.
Identifiers: ClinVar variation 1364045 (VCV001364045.8), dbSNP rs759551673, ClinGen allele CA6435660.

ClinVar aggregate classification (germline): Uncertain significance (1 of 4 stars; one submission).

Allele frequency attached by ClinVar (database versions not stated): gnomAD 0.00004 and 0.00005; TOPMed 0.00008; 1000 Genomes Project 30x 0.00016; 1000 Genomes Project 0.00020.
gnomAD v4.1: 17 of 1,612,288 alleles (0.0011%); highest among the groups gnomAD compares: African/African-American, 0.016%; no homozygotes.

Submission:

Labcorp Genetics (formerly Invitae), Labcorp
Classification: Uncertain significance. Last evaluated: 2025-11-27. Review status: criteria provided, single submitter. Criteria: Invitae Variant Classification Sherloc (09022015). Collection method: clinical testing. Allele origin: germline.
Comment: This sequence change affects codon 492 of the A2ML1 mRNA. It is a 'silent' change, meaning that it does not change the encoded amino acid sequence of the A2ML1 protein. It affects a nucleotide within the consensus splice site. This variant is present in population databases (rs759551673, gnomAD 0.02%). This variant has not been reported in the literature in individuals affected with A2ML1-related conditions. ClinVar contains an entry for this variant (Variation ID: 1364045). Algorithms developed to predict the effect of sequence changes on RNA splicing suggest that this variant may disrupt the consensus splice site. In summary, the available evidence is currently insufficient to determine the role of this variant in disease. Therefore, it has been classified as a Variant of Uncertain Significance.